The following is an entry in ClinVar:

ClinVar aggregate classification (germline): Benign. Review status: reviewed by expert panel (3 of 4 stars). 21 submissions from 21 submitters: Benign (1). 20 of the submissions do not count toward it. Last evaluated 2019-06-18.

Conditions:
BRCA2-related cancer predisposition. Identifiers: MedGen CN377758, MONDO:0700269.
BRCA2-related disorder. Also called: BRCA2-related condition; BRCA2-related disorders. Identifiers: MedGen CN239275.
Hereditary cancer-predisposing syndrome. Also called: Neoplastic Syndromes, Hereditary; Tumor predisposition; Hereditary Cancer Syndrome; Hereditary neoplastic syndrome. Identifiers: Orphanet 140162, MedGen C0027672, MeSH D009386, MONDO:0015356.
Hereditary breast ovarian cancer syndrome. Also called: Hereditary breast and ovarian cancer; Breast and ovarian cancer; Hereditary breast and/or ovarian cancer syndrome; Hereditary breast and ovarian cancer syndrome (HBOC); Hereditary breast and ovarian cancer syndrome; BRCA1- and BRCA2-Associated Hereditary Breast and Ovarian Cancer. Identifiers: Orphanet 145, MedGen C0677776, MeSH D061325, MONDO:0003582. Disease mechanism: loss of function.
Breast-ovarian cancer, familial, susceptibility to, 2 (BROVCA2). Also called: BRCA2 Hereditary Breast and Ovarian Cancer. Identifiers: Orphanet 145, MedGen C2675520, MONDO:0012933, OMIM 612555. Disease mechanism: loss of function.

Allele frequency attached by ClinVar (database versions not stated): gnomAD 0.00003 and 0.00004; gnomAD exomes 0.00004 and 0.00009; TOPMed 0.00009; ExAC 0.00012; ESP Exome Variant Server 0.00015.
gnomAD v4.1: 57 of 1,607,288 alleles (0.0035%); highest among the groups gnomAD compares: Middle Eastern, 0.05%; no homozygotes.

Submissions (21):

Evidence-based Network for the Interpretation of Germline Mutant Alleles (ENIGMA)
Classification: Benign for Breast-ovarian cancer, familial, susceptibility to, 2. Last evaluated: 2019-06-18. Review status: reviewed by expert panel. Criteria: ENIGMA BRCA1/2 Classification Criteria (2017-06-29). Collection method: curation. Allele origin: germline.
Comment: IARC class based on posterior probability from multifactorial likelihood analysis, thresholds for class as per Plon et al. 2008 (PMID: 18951446). Class 1 based on posterior probability = 0.000217

CeGaT Center for Human Genetics Tuebingen
Classification: Likely benign. Last evaluated: 2026-04-01. Review status: criteria provided, single submitter. Criteria: CeGaT Center For Human Genetics Tuebingen Variant Classification Criteria Version 2. Collection method: clinical testing. Allele origin: germline. Affected: yes. Observed: 1 variant allele. Not counted in ClinVar's aggregate classification.
Comment: BRCA2: BP4, BS2

Labcorp Genetics (formerly Invitae), Labcorp
Classification: Likely benign for Hereditary breast ovarian cancer syndrome. Last evaluated: 2026-01-26. Review status: criteria provided, single submitter. Criteria: Invitae Variant Classification Sherloc (09022015). Collection method: clinical testing. Allele origin: germline. Not counted in ClinVar's aggregate classification.

Center for Genomic Medicine, Rigshospitalet, Copenhagen University Hospital
Classification: Benign. Last evaluated: 2025-03-04. Review status: criteria provided, single submitter. Criteria: ACMG Guidelines, 2015. Collection method: clinical testing. Allele origin: germline. Not counted in ClinVar's aggregate classification.

All of Us Research Program, National Institutes of Health
Classification: Likely benign for BRCA2-related cancer predisposition. Last evaluated: 2024-09-23. Review status: criteria provided, single submitter. Criteria: ACMG Guidelines, 2015. Collection method: clinical testing. Allele origin: germline. Inheritance: Autosomal dominant inheritance. Observed: 27 variant alleles, 27 heterozygotes. Not counted in ClinVar's aggregate classification.
Comment: This study involves interpretation of variants in research participants for the purpose of population health screening. Participant phenotype was not available at the time of variant classification. Additional details can be found in publication PMID: 35346344, PMCID: PMC8962531

Blueprint Genetics
Classification: Likely benign. Last evaluated: 2024-08-26. Review status: criteria provided, single submitter. Criteria: ACMG Guidelines, 2015. Collection method: clinical testing. Allele origin: germline. Not counted in ClinVar's aggregate classification.

Quest Diagnostics Nichols Institute San Juan Capistrano
Classification: Likely benign. Last evaluated: 2023-08-04. Review status: criteria provided, single submitter. Criteria: Quest Diagnostics criteria. Collection method: clinical testing. Allele origin: unknown. Not counted in ClinVar's aggregate classification.

ARUP Laboratories, Molecular Genetics and Genomics, ARUP Laboratories
Classification: Likely benign. Last evaluated: 2022-06-27. Review status: criteria provided, single submitter. Criteria: ARUP Molecular Germline Variant Investigation Process 2021. Collection method: clinical testing. Allele origin: germline. Not counted in ClinVar's aggregate classification.

Sema4
Classification: Likely benign for Hereditary cancer-predisposing syndrome. Last evaluated: 2020-12-16. Review status: criteria provided, single submitter. Criteria: Sema4 Curation Guidelines. Collection method: curation. Allele origin: germline. Not counted in ClinVar's aggregate classification.

Women's Health and Genetics/Laboratory Corporation of America, LabCorp
Classification: Uncertain significance. Last evaluated: 2019-07-18. Review status: criteria provided, single submitter. Criteria: LabCorp Variant Classification Summary - May 2015. Collection method: clinical testing. Allele origin: germline. Not counted in ClinVar's aggregate classification.
Comment: Variant summary: BRCA2 c.6290C>T (p.Thr2097Met) results in a non-conservative amino acid change in the encoded protein sequence. Three of five in-silico tools predict a damaging effect of the variant on protein function. The variant allele was found at a frequency of 7.5e-05 in 292890 control chromosomes (gnomAD and publication data). This frequency is not higher than the estimated maximum for a pathogenic variant in BRCA2 causing Hereditary Breast and Ovarian Cancer (7.5e-05 vs 0.00075), allowing no conclusion about variant significance. The variant, c.6290C>T, has been reported in the literature in individuals affected with breast- and/or ovarian cancer without strong evidence for causality (Diez_2003, Gonzalez_2011, Vail_2015, Alvarez_2017, Zuntini_2018, Momozawa_2018), and was also found in unaffected controls (Momozawa_2018, and in the FLOSSIES database). In one report, the variant did not segregate with disease in a family, suggesting it may not be the cause of cancer in the family (Zuntini_2018). Thus, these reports do not provide unequivocal conclusions about association of the variant with Hereditary Breast and Ovarian Cancer. Co-occurrence with a pathogenic BRCA2 variant has been reported (c.7414_7415delAA, p.Lys2472Valfs; in the BIC database), providing supporting evidence for a benign role. To our knowledge, no experimental evidence demonstrating an impact on protein function has been reported. Nine other submitters have provided clinical-significance assessments for this variant in ClinVar after 2014, without evidence for independent evaluation, and classified the variant as VUS (3x) or likely benign (6x). Based on the evidence outlined above, the variant was classified as VUS-possibly benign.

Mendelics
Classification: Likely benign for Breast-ovarian cancer, familial, susceptibility to, 2. Last evaluated: 2019-05-28. Review status: criteria provided, single submitter. Criteria: Mendelics Assertion Criteria 2017. Collection method: clinical testing. Allele origin: unknown. Not counted in ClinVar's aggregate classification.

Mayo Clinic Laboratories, Mayo Clinic
Classification: Uncertain significance. Last evaluated: 2019-04-11. Review status: criteria provided, single submitter. Criteria: ACMG Guidelines, 2015. Collection method: clinical testing. Allele origin: germline. Observed: 1 variant allele. Not counted in ClinVar's aggregate classification.

Ambry Genetics
Classification: Likely benign for Hereditary cancer-predisposing syndrome. Last evaluated: 2019-01-23. Review status: criteria provided, single submitter. Criteria: Ambry Variant Classification Scheme 2023. Collection method: clinical testing. Allele origin: germline. Not counted in ClinVar's aggregate classification.

GeneDx
Classification: Likely benign. Last evaluated: 2017-12-06. Review status: criteria provided, single submitter. Criteria: GeneDx Variant Classification (06012015). Collection method: clinical testing. Allele origin: germline. Affected: yes. Not counted in ClinVar's aggregate classification.
Comment: This variant is considered likely benign or benign based on one or more of the following criteria: it is a conservative change, it occurs at a poorly conserved position in the protein, it is predicted to be benign by multiple in silico algorithms, and/or has population frequency not consistent with disease.

Color Diagnostics, LLC DBA Color Health
Classification: Likely benign for Hereditary cancer-predisposing syndrome. Last evaluated: 2015-11-17. Review status: criteria provided, single submitter. Criteria: ACMG Guidelines, 2015. Collection method: clinical testing. Allele origin: germline. Not counted in ClinVar's aggregate classification.

PreventionGenetics, part of Exact Sciences
Classification: Likely benign for BRCA2-related condition. Last evaluated: 2024-08-22. Review status: no assertion criteria provided. Collection method: clinical testing. Allele origin: germline. Not counted in ClinVar's aggregate classification.
Comment: This variant is classified as likely benign based on ACMG/AMP sequence variant interpretation guidelines (Richards et al. 2015 PMID: 25741868, with internal and published modifications).

Department of Medical and Surgical Sciences, University of Bologna
Classification: Benign for Breast-ovarian cancer, familial, susceptibility to, 2. Last evaluated: 2023-09-01. Review status: no assertion criteria provided. Collection method: clinical testing. Allele origin: germline. Affected: yes. Not counted in ClinVar's aggregate classification.
Comment: BS1(Strong)+BP1(Strong)+BP5(Strong) according to ACMG/AMP classification guidelines specified for BRCA1 & BRCA2 (Classification Criteria V1.0.0 2023-09-08) (PMID: 38160042)

True Health Diagnostics
Classification: Likely benign for Hereditary cancer-predisposing syndrome. Last evaluated: 2018-04-09. Review status: no assertion criteria provided. Collection method: clinical testing. Allele origin: germline. Not counted in ClinVar's aggregate classification.

Counsyl
Classification: Uncertain significance for Breast-ovarian cancer, familial, susceptibility to, 2. Last evaluated: 2018-02-27. Review status: no assertion criteria provided. Collection method: clinical testing. Allele origin: unknown. Not counted in ClinVar's aggregate classification.

Sharing Clinical Reports Project (SCRP)
Classification: Benign for Breast-ovarian cancer, familial 2. Last evaluated: 2012-05-01. Review status: no assertion criteria provided. Collection method: clinical testing. Allele origin: germline. Not counted in ClinVar's aggregate classification.

Breast Cancer Information Core (BIC) (BRCA2)
Classification: Uncertain significance for Breast-ovarian cancer, familial 2. Last evaluated: 2004-02-20. Review status: no assertion criteria provided. Collection method: clinical testing. Allele origin: germline. Affected: yes. Observed: 3 variant alleles. Not counted in ClinVar's aggregate classification.

Literature cited by the submitters: PubMed 31131967 (cited by Evidence-based Network for the Interpretation of Germline Mutant Alleles (ENIGMA) and Quest Diagnostics Nichols Institute San Juan Capistrano); PubMed 12385650 (cited by Quest Diagnostics Nichols Institute San Juan Capistrano and Counsyl); PubMed 14684619 (cited by Quest Diagnostics Nichols Institute San Juan Capistrano and Women's Health and Genetics/Laboratory Corporation of America, LabCorp); PubMed 15937982 (cited by Quest Diagnostics Nichols Institute San Juan Capistrano and Women's Health and Genetics/Laboratory Corporation of America, LabCorp); PubMed 26580448 (cited by 3 submitters); PubMed 28873162 (cited by Quest Diagnostics Nichols Institute San Juan Capistrano and Counsyl); PubMed 30254663 (cited by Quest Diagnostics Nichols Institute San Juan Capistrano and Women's Health and Genetics/Laboratory Corporation of America, LabCorp); PubMed 30287823 (cited by Quest Diagnostics Nichols Institute San Juan Capistrano and Women's Health and Genetics/Laboratory Corporation of America, LabCorp); PubMed 12955716 (cited by 3 submitters); PubMed 20859677 (cited by 3 submitters); PubMed 25782689 (cited by 3 submitters); PubMed 29088781 (cited by 3 submitters); PubMed 37415649 (cited by Quest Diagnostics Nichols Institute San Juan Capistrano); PubMed 32438681 (cited by Quest Diagnostics Nichols Institute San Juan Capistrano).

NM_000059.4(BRCA2):c.6290C>T (p.Thr2097Met)

Gene: BRCA2 (BRCA2 DNA repair associated; plus strand). Cytogenetic location: 13q13.1.
Variant type: single nucleotide variant.
Coding change: c.6290C>T on transcript NM_000059.4 (MANE Select); coding-DNA position 6290, C replaced by T.
Protein change: p.Thr2097Met; replaces threonine 2097 with methionine.
Molecular consequence: missense variant.
Genome position (GRCh38, 1-based): chr13:32,340,645, C>T. VCF-style: chr13-32340645-C-T. GRCh37 (hg19) VCF-style: chr13-32914782-C-T.
Other names: 6518C>T; short protein forms T2097M.
Identifiers: ClinVar variation 38032 (VCV000038032.50), dbSNP rs80358866, ClinGen allele CA023826.